The following is an entry in ClinVar:

NM_182972.3(IRF2BP2):c.400G>T (p.Gly134Cys)

Genes: IRF2BP2 (interferon regulatory factor 2 binding protein 2; minus strand), LOC129932812 (ATAC-STARR-seq lymphoblastoid silent region 1977; plus strand). Cytogenetic location: 1q42.3.
Variant type: single nucleotide variant.
Coding change: c.400G>T on transcript NM_182972.3 (MANE Select); coding-DNA position 400, G replaced by T.
Protein change: p.Gly134Cys; replaces glycine 134 with cysteine.
Molecular consequence: missense variant.
Genome position (GRCh38, 1-based): chr1:234,609,095, C>A on the plus strand (G>T on the coding strand, the complement: IRF2BP2 is on the minus strand). VCF-style: chr1-234609095-C-A. GRCh37 (hg19) VCF-style: chr1-234744841-C-A.
Other names: c.400G>T, p.Gly134Cys (NM_001077397.1); short protein forms G134C.
Identifiers: ClinVar variation 3657312 (VCV003657312.2).

ClinVar aggregate classification (germline): Uncertain significance (1 of 4 stars; one submission).

Submission:

Labcorp Genetics (formerly Invitae), Labcorp
Classification: Uncertain significance. Last evaluated: 2024-06-21. Review status: criteria provided, single submitter. Criteria: Invitae Variant Classification Sherloc (09022015). Collection method: clinical testing. Allele origin: germline.
Comment: This sequence change replaces glycine, which is neutral and non-polar, with cysteine, which is neutral and slightly polar, at codon 134 of the IRF2BP2 protein (p.Gly134Cys). This variant is not present in population databases (gnomAD no frequency). This variant has not been reported in the literature in individuals affected with IRF2BP2-related conditions. An algorithm developed to predict the effect of missense changes on protein structure and function (PolyPhen-2) suggests that this variant is likely to be disruptive. In summary, the available evidence is currently insufficient to determine the role of this variant in disease. Therefore, it has been classified as a Variant of Uncertain Significance.